The following is an entry in ClinVar:

NM_001042492.3(NF1):c.4409G>A (p.Ser1470Asn)

Gene: NF1 (neurofibromin 1; plus strand). Cytogenetic location: 17q11.2.
Variant type: single nucleotide variant.
Coding change: c.4409G>A on transcript NM_001042492.3 (MANE Select); coding-DNA position 4409, G replaced by A.
Protein change: p.Ser1470Asn; replaces serine 1470 with asparagine.
Molecular consequence: missense variant.
Genome position (GRCh38, 1-based): chr17:31,259,108, G>A. VCF-style: chr17-31259108-G-A. GRCh37 (hg19) VCF-style: chr17-29586126-G-A.
Other names: c.4346G>A, p.Ser1449Asn (NM_000267.4); short protein forms S1449N, S1470N.
Identifiers: ClinVar variation 232946 (VCV000232946.21), dbSNP rs876660093, ClinGen allele CA10580315.

ClinVar aggregate classification (germline): Conflicting classifications of pathogenicity. Review status: criteria provided, conflicting classifications (1 of 4 stars). 9 submissions from 8 submitters: Uncertain significance (7); Benign (2). Last evaluated 2026-01-27.

Conditions:
Cardiovascular phenotype. Identifiers: MedGen CN230736.
Hereditary cancer-predisposing syndrome. Also called: Hereditary Cancer Syndrome; Neoplastic Syndromes, Hereditary; Tumor predisposition; Hereditary neoplastic syndrome. Identifiers: Orphanet 140162, MedGen C0027672, MeSH D009386, MONDO:0015356.
Café-au-lait macules with pulmonary stenosis (WTSN). Also called: PULMONIC STENOSIS WITH CAFE-AU-LAIT SPOTS. Identifiers: MedGen C0553586, MONDO:0008672, OMIM 193520.
Juvenile myelomonocytic leukemia (JMML). Also called: LEUKEMIA, JUVENILE MYELOMONOCYTIC, SOMATIC. Identifiers: Orphanet 86834, MedGen C0349639, MONDO:0011908, OMIM 607785, HP:0012209.
Neurofibromatosis-Noonan syndrome (NFNS). Also called: NEUROFIBROMATOSIS WITH NOONAN PHENOTYPE. Identifiers: Orphanet 638, MedGen C2931482, MONDO:0011035, OMIM 601321. Disease mechanism: loss of function.
Neurofibromatosis, familial spinal (FSNF). Identifiers: Orphanet 636, MedGen C1834235, MONDO:0008078, OMIM 162210. Disease mechanism: loss of function.
Neurofibromatosis, type 1 (NF1). Also called: Neurofibromatosis, type I; VON RECKLINGHAUSEN DISEASE; NEUROFIBROMATOSIS, TYPE I, SOMATIC; Peripheral type neurofibromatosis. Identifiers: Orphanet 636, MedGen C0027831, MONDO:0018975, OMIM 162200. Disease mechanism: loss of function.
Hereditary breast ovarian cancer syndrome. Also called: Hereditary breast and/or ovarian cancer syndrome; BRCA1- and BRCA2-Associated Hereditary Breast and Ovarian Cancer; Hereditary breast and ovarian cancer syndrome (HBOC); Hereditary breast and ovarian cancer; Hereditary breast and ovarian cancer syndrome; Breast and ovarian cancer. Identifiers: Orphanet 145, MedGen C0677776, MeSH D061325, MONDO:0003582. Disease mechanism: loss of function.

Allele frequency attached by ClinVar (database versions not stated): gnomAD 0.00001; gnomAD exomes 0.00002 and 0.00003; TOPMed 0.00002.
gnomAD v4.1: 21 of 1,603,184 alleles (0.0013%); highest among the groups gnomAD compares: East Asian, 0.031%; no homozygotes.

Submissions (9):

Labcorp Genetics (formerly Invitae), Labcorp
Classification: Benign for Neurofibromatosis, type 1. Last evaluated: 2026-01-27. Review status: criteria provided, single submitter. Criteria: Invitae Variant Classification Sherloc (09022015). Collection method: clinical testing. Allele origin: germline.

Quest Diagnostics Nichols Institute San Juan Capistrano
Classification: Uncertain significance. Last evaluated: 2025-07-29. Review status: criteria provided, single submitter. Criteria: Quest Diagnostics criteria. Collection method: clinical testing. Allele origin: unknown.

Ambry Genetics
Classification: Benign for Cardiovascular phenotype; Hereditary cancer-predisposing syndrome. Last evaluated: 2023-12-27. Review status: criteria provided, single submitter. Criteria: Ambry Variant Classification Scheme 2023. Collection method: clinical testing. Allele origin: germline.

Genome-Nilou Lab
Classification: Uncertain significance for Neurofibromatosis, type 1. Last evaluated: 2022-03-15. Review status: criteria provided, single submitter. Criteria: ACMG Guidelines, 2015. Collection method: clinical testing. Allele origin: germline. Affected: no.

Women's Health and Genetics/Laboratory Corporation of America, LabCorp
Classification: Uncertain significance. Last evaluated: 2021-09-11. Review status: criteria provided, single submitter. Criteria: LabCorp Variant Classification Summary - May 2015. Collection method: clinical testing. Allele origin: germline.
Comment: Variant summary: NF1 c.4346G>A (p.Ser1449Asn) results in a conservative amino acid change located in the Ras GTPase-activating domain (IPR001936) of the encoded protein sequence. Four of five in-silico tools predict a benign effect of the variant on protein function. The variant allele was found at a frequency of 2.1e-05 in 236450 control chromosomes. The available data on variant occurrences in the general population are insufficient to allow any conclusion about variant significance. c.4346G>A has been reported in the literature as a VUS in settings of multigene panel testing of Japanese individuals affected with breast cancer as well as in unaffected Japanese controls (example, Momozawa_2018). These report(s) do not provide unequivocal conclusions about association of the variant with Neurofibromatosis Type 1. To our knowledge, no experimental evidence demonstrating an impact on protein function has been reported. Five clinical diagnostic laboratories have submitted clinical-significance assessments for this variant to ClinVar after 2014 without evidence for independent evaluation. All laboratories classified the variant as uncertain significance. Based on the evidence outlined above, the variant was classified as uncertain significance.

Baylor Genetics
Classification: Uncertain significance for Neurofibromatosis, type 1. Last evaluated: 2020-12-04. Review status: criteria provided, single submitter. Criteria: ACMG Guidelines, 2015. Collection method: clinical testing. Allele origin: maternal. Affected: yes. Study: CSER-TexasKidsCanSeq.
Comment: This variant was determined to be of uncertain significance according to ACMG Guidelines, 2015 [PMID:25741868].

Cancer Genomics Group, Japanese Foundation For Cancer Research
Classification: Uncertain significance for Hereditary breast and ovarian cancer syndrome. Last evaluated: 2019-05-01. Review status: criteria provided, single submitter. Criteria: ACMG Guidelines, 2015. Collection method: research. Allele origin: germline. Affected: yes.

Fulgent Genetics
Classification: Uncertain significance for Neurofibromatosis, type 1; Neurofibromatosis, familial spinal; Café-au-lait macules with pulmonary stenosis; Neurofibromatosis-Noonan syndrome; Juvenile myelomonocytic leukemia. Last evaluated: 2018-10-31. Review status: criteria provided, single submitter. Criteria: ACMG Guidelines, 2015. Collection method: clinical testing. Allele origin: unknown.

Ambry Genetics
Classification: Uncertain significance for Hereditary cancer-predisposing syndrome. Last evaluated: 2015-07-15. Review status: criteria provided, single submitter. Criteria: Ambry Autosomal Dominant and X-Linked criteria (10/2015). Collection method: clinical testing. Allele origin: germline. Observed: 1 variant allele.
Comment: The p.S1470N variant (also known as c.4409G>A), located in coding exon 33 of the NF1 gene, results from a G to A substitution at nucleotide position 4409. The serine at codon 1470 is replaced by asparagine, an amino acid with highly similar properties. This variant was not reported in population based cohorts in the following databases: Database of Single Nucleotide Polymorphisms (dbSNP), NHLBI Exome Sequencing Project (ESP), and 1000 Genomes Project. In the ESP, this variant was not observed in 6497 samples (12994 alleles) with coverage at this position. To date, this alteration has been detected with an allele frequency of approximately 0.002% (greater than 110000 alleles tested) in our clinical cohort.This amino acid position is well conserved in available vertebrate species, however asparagine is the reference amino acid in several species. In addition, this alteration is predicted to be tolerated by in silico analysis.Since supporting evidence is limited at this time, the clinical significance of p.S1470N remains unclear.

Literature cited by the submitters: PubMed 30287823 (cited by Women's Health and Genetics/Laboratory Corporation of America, LabCorp).